The following is an entry in ClinVar:

NM_000548.5(TSC2):c.4722C>T (p.Phe1574=)

Gene: TSC2 (TSC complex subunit 2; plus strand). Cytogenetic location: 16p13.3.
Variant type: single nucleotide variant.
Coding change: c.4722C>T on transcript NM_000548.5 (MANE Select); coding-DNA position 4722, C replaced by T.
Protein change: p.Phe1574=; no amino-acid change (phenylalanine 1574 retained).
Molecular consequence: synonymous variant.
Genome position (GRCh38, 1-based): chr16:2,086,252, C>T. VCF-style: chr16-2086252-C-T. GRCh37 (hg19) VCF-style: chr16-2136253-C-T.
Other names: c.4521C>T, p.Phe1507= (NM_001077183.3); c.4653C>T, p.Phe1551= (NM_001114382.3); c.4413C>T, p.Phe1471= (NM_001318827.2); c.4377C>T, p.Phe1459= (NM_001318829.2); c.3990C>T, p.Phe1330= (NM_001318831.2); c.4554C>T, p.Phe1518= (NM_001318832.2); c.4524C>T, p.Phe1508= (NM_001363528.2); c.4590C>T, p.Phe1530= (NM_001370404.1); and 1 more.
Identifiers: ClinVar variation 413756 (VCV000413756.17), dbSNP rs565576095, ClinGen allele CA052360.

ClinVar aggregate classification (germline): Benign/Likely benign. Review status: criteria provided, multiple submitters, no conflicts (2 of 4 stars). 4 submissions from 4 submitters: Benign (2); Likely benign (2). Last evaluated 2026-01-19.

Conditions:
Hereditary cancer-predisposing syndrome. Also called: Tumor predisposition; Neoplastic Syndromes, Hereditary; Hereditary Cancer Syndrome; Hereditary neoplastic syndrome. Identifiers: Orphanet 140162, MedGen C0027672, MeSH D009386, MONDO:0015356.
Tuberous sclerosis syndrome (TSC). Also called: Tuberous Sclerosis Complex; Tuberous sclerosis. Identifiers: Orphanet 805, MedGen C0041341, MONDO:0001734.
Tuberous sclerosis 2 (TSC2). Identifiers: Orphanet 805, MedGen C1860707, MONDO:0013199, OMIM 613254.

Allele frequency attached by ClinVar (database versions not stated): TOPMed below 0.00001; gnomAD 0.00001; ExAC 0.00003; 1000 Genomes Project 30x 0.00016; 1000 Genomes Project 0.00020.
gnomAD v4.1: 25 of 1,612,738 alleles (0.0016%); highest among the groups gnomAD compares: South Asian, 0.027%; 1 homozygote.

Submissions (4):

Labcorp Genetics (formerly Invitae), Labcorp
Classification: Benign for Tuberous sclerosis 2. Last evaluated: 2026-01-19. Review status: criteria provided, single submitter. Criteria: Invitae Variant Classification Sherloc (09022015). Collection method: clinical testing. Allele origin: germline.

Myriad Genetics, Inc.
Classification: Benign for Tuberous sclerosis 2. Last evaluated: 2025-06-04. Review status: criteria provided, single submitter. Criteria: Myriad Autosomal Dominant, Autosomal Recessive and X-Linked Classification Criteria (2023). Collection method: clinical testing. Allele origin: unknown.
Comment: This variant is considered benign. This variant is a silent/synonymous amino acid change and it is not expected to impact splicing.

All of Us Research Program, National Institutes of Health
Classification: Likely benign for Tuberous sclerosis syndrome. Last evaluated: 2023-09-17. Review status: criteria provided, single submitter. Criteria: ACMG Guidelines, 2015. Collection method: clinical testing. Allele origin: germline. Inheritance: Autosomal dominant inheritance. Observed: 2 variant alleles, 2 heterozygotes.
Comment: This study involves interpretation of variants in research participants for the purpose of population health screening. Participant phenotype was not available at the time of variant classification. Additional details can be found in publication PMID: 35346344, PMCID: PMC8962531

Ambry Genetics
Classification: Likely benign for Hereditary cancer-predisposing syndrome. Last evaluated: 2022-08-28. Review status: criteria provided, single submitter. Criteria: Ambry Variant Classification Scheme 2023. Collection method: clinical testing. Allele origin: germline.